The following is an entry in ClinVar:

NM_004813.4(PEX16):c.616C>G (p.Leu206Val)

Gene: PEX16 (peroxisomal biogenesis factor 16; minus strand). Cytogenetic location: 11p11.2.
Variant type: single nucleotide variant.
Coding change: c.616C>G on transcript NM_004813.4 (MANE Select); coding-DNA position 616, C replaced by G.
Protein change: p.Leu206Val; replaces leucine 206 with valine.
Molecular consequence: missense variant.
Genome position (GRCh38, 1-based): chr11:45,914,394, G>C on the plus strand (C>G on the coding strand, the complement: PEX16 is on the minus strand). VCF-style: chr11-45914394-G-C. GRCh37 (hg19) VCF-style: chr11-45935945-G-C.
Other names: c.616C>G, p.Leu206Val (NM_057174.3); short protein forms L206V.
Identifiers: ClinVar variation 878685 (VCV000878685.9), dbSNP rs375515674, ClinGen allele CA5959899.
Genomic context (GRCh38, chr11:45,914,394, plus strand): 5'-CAATGTACAAAAACTCTGCGATGGTCTCCTGCAGCCCCAGGGGGGTGGGGGTCGCACTCA[G>C]CTCCTCGTGATGCTGCTGCTGCCGTCCCTCCCGCTGCTGGGGAGCTCCCCAGTGCCTGGA-3'
Protein context (NP_004804.2, residues 196-216): EGRQQQHHEE[Leu206Val]SATPTPLGLQ

ClinVar aggregate classification (germline): Uncertain significance. Review status: criteria provided, multiple submitters, no conflicts (2 of 4 stars). 4 submissions from 4 submitters: Uncertain significance (3). 1 of the submissions does not count toward it. Last evaluated 2022-11-22.

Conditions:
Peroxisome biogenesis disorder. Identifiers: Orphanet 79189, MedGen C1832200, MONDO:0019234. Disease mechanism: loss of function.
Peroxisome biogenesis disorder 8A (Zellweger). Also called: Peroxisome biogenesis disorder 8A. Identifiers: Orphanet 912, MedGen C3553959, MONDO:0013942, OMIM 614876.
PEX16-related disorder. Also called: PEX16-related condition.

Allele frequency attached by ClinVar (database versions not stated): ExAC 0.00002; gnomAD 0.00003 and 0.00004; gnomAD exomes 0.00003; TOPMed 0.00007; ESP Exome Variant Server 0.00015.
gnomAD v4.1: 34 of 1,609,844 alleles (0.0021%); highest among the groups gnomAD compares: African/African-American, 0.004%; no homozygotes.

Submissions (4):

Blueprint Genetics
Classification: Uncertain significance. Last evaluated: 2022-11-22. Review status: criteria provided, single submitter. Criteria: ACMG Guidelines, 2015. Collection method: clinical testing. Allele origin: germline.

Labcorp Genetics (formerly Invitae), Labcorp
Classification: Uncertain significance for Peroxisome biogenesis disorder. Last evaluated: 2022-10-04. Review status: criteria provided, single submitter. Criteria: Invitae Variant Classification Sherloc (09022015). Collection method: clinical testing. Allele origin: germline.
Comment: This sequence change replaces leucine, which is neutral and non-polar, with valine, which is neutral and non-polar, at codon 206 of the PEX16 protein (p.Leu206Val). This variant is present in population databases (rs375515674, gnomAD 0.007%). This variant has not been reported in the literature in individuals affected with PEX16-related conditions. ClinVar contains an entry for this variant (Variation ID: 878685). Advanced modeling of protein sequence and biophysical properties (such as structural, functional, and spatial information, amino acid conservation, physicochemical variation, residue mobility, and thermodynamic stability) performed at Invitae indicates that this missense variant is not expected to disrupt PEX16 protein function. Algorithms developed to predict the effect of sequence changes on RNA splicing suggest that this variant may disrupt the consensus splice site. In summary, the available evidence is currently insufficient to determine the role of this variant in disease. Therefore, it has been classified as a Variant of Uncertain Significance.

Illumina Laboratory Services, Illumina
Classification: Uncertain significance for Peroxisome biogenesis disorder 8A (Zellweger). Last evaluated: 2018-01-13. Review status: criteria provided, single submitter. Criteria: ICSL Variant Classification Criteria 13 December 2019. Collection method: clinical testing. Allele origin: germline.

PreventionGenetics, part of Exact Sciences
Classification: Uncertain significance for PEX16-related condition. Last evaluated: 2024-02-08. Review status: no assertion criteria provided. Collection method: clinical testing. Allele origin: germline. Not counted in ClinVar's aggregate classification.
Comment: The PEX16 c.616C>G variant is predicted to result in the amino acid substitution p.Leu206Val. To our knowledge, this variant has not been reported in the literature. This variant is reported in 0.0079% of alleles in individuals of European (Non-Finnish) descent in gnomAD. At this time, the clinical significance of this variant is uncertain due to the absence of conclusive functional and genetic evidence.